The following is an entry in ClinVar:

NM_000218.3(KCNQ1):c.1011C>G (p.Ile337Met)

Gene: KCNQ1 (potassium voltage-gated channel subfamily Q member 1; plus strand). Cytogenetic location: 11p15.5.
Variant type: single nucleotide variant.
Coding change: c.1011C>G on transcript NM_000218.3 (MANE Select); coding-DNA position 1011, C replaced by G.
Protein change: p.Ile337Met; replaces isoleucine 337 with methionine.
Molecular consequence: missense variant.
Genome position (GRCh38, 1-based): chr11:2,583,524, C>G. VCF-style: chr11-2583524-C-G. GRCh37 (hg19) VCF-style: chr11-2604754-C-G.
Other names: p.I337M:ATC>ATG; c.1011C>G, p.Ile337Met (NM_001406836.1); c.741C>G, p.Ile247Met (NM_001406837.1); c.567C>G, p.Ile189Met (NM_001406838.1); c.630C>G, p.Ile210Met (NM_181798.2); short protein forms I210M, I337M, I189M, I247M.
Identifiers: ClinVar variation 200833 (VCV000200833.4), dbSNP rs794728521, ClinGen allele CA004816.

ClinVar aggregate classification (germline): Uncertain significance (1 of 4 stars; one submission).

Submission:

GeneDx
Classification: Uncertain significance. Last evaluated: 2013-02-03. Review status: criteria provided, single submitter. Criteria: GeneDx Variant Classification (06012015). Collection method: clinical testing. Allele origin: germline. Affected: yes.
Comment: p.Ile337Met (ATC>ATG): c.1011 C>G in exon 7 of the KCNQ1 gene (NM_000218.2). The Ile337Met variant in the KCNQ1 gene has not been reported as a disease-causing mutation or as a benign polymorphism to our knowledge. Ile337Met results in a conservative amino acid substitution of one non-polar amino acid for another. However, mutations in nearby residues (Gly325Arg, Gly325Glu, Gly325Trp, Ser338Phe, Phe339Ser, Phe339Tyr, Ala341Glu, Ala341Gly, Ala341Val, Pro343Arg, Pro343Leu, Pro343Ser) have been reported in association with LQTS, supporting the functional importance of this region of the protein. In silico analysis predicts Ile337Met is probably damaging to the protein structure/function. Furthermore, the Ile337Met variant was not observed in the 1000 Genomes database or in approximately 6500 individuals of European and African American ancestry in the NHLBI Exome Sequencing Project, indicating it is not a common benign variant in these populations. With the clinical and molecular information available at this time, we cannot definitively determine if Ile337Met is a disease-causing mutation or a rare benign variant. The variant is found in LQT panel(s).